The following is an entry in ClinVar:

NM_015272.5(RPGRIP1L):c.2959-16_2960del

Gene: RPGRIP1L (RPGRIP1 like; minus strand). Cytogenetic location: 16q12.2.
Variant type: Deletion.
Coding change: c.2959-16_2960del on transcript NM_015272.5 (MANE Select); 16 bases into the intron before coding-DNA position 2959 through coding-DNA position 2960, 18 bases deleted (TTCACATTAATATAAGGA).
Molecular consequence: splice acceptor variant. On other transcripts: intron variant (2).
Genome position (GRCh38, 1-based): chr16:53,638,410-53,638,427, TCCTTATATTAATGTGAA deleted on the plus strand (TTCACATTAATATAAGGA on the coding strand, the reverse complement: RPGRIP1L is on the minus strand). VCF-style (leftmost placement, unchanged base first): chr16-53638409-CTCCTTATATTAATGTGAA-C. GRCh37 (hg19) VCF-style: chr16-53672321-CTCCTTATATTAATGTGAA-C.
Other names: c.2959-573_2959-556del (NM_001127897.4, NM_001330538.2); c.2959-16_2960del (NM_001308334.3).
Identifiers: ClinVar variation 2130204 (VCV002130204.4), dbSNP rs1965977480, ClinGen allele CA977433918.

ClinVar aggregate classification (germline): Likely pathogenic (1 of 4 stars; one submission).

Conditions:
Joubert syndrome. Also called: CEREBELLOPARENCHYMAL DISORDER IV; JOUBERT-BOLTSHAUSER SYNDROME; Familial aplasia of the vermis. Identifiers: Orphanet 475, MedGen C5979921, MONDO:0018772.
Meckel-Gruber syndrome. Also called: DYSENCEPHALIA SPLANCHNOCYSTICA; GRUBER SYNDROME; Dysencephalia splachnocystica. Identifiers: Orphanet 564, MedGen C0265215, MONDO:0018921.

Submission:

Labcorp Genetics (formerly Invitae), Labcorp
Classification: Likely pathogenic for Joubert syndrome; Meckel-Gruber syndrome. Last evaluated: 2022-04-24. Review status: criteria provided, single submitter. Criteria: Invitae Variant Classification Sherloc (09022015). Collection method: clinical testing. Allele origin: germline.
Comment: This variant is not present in population databases (gnomAD no frequency). This variant results in the deletion of part of exon 20 (c.2959-16_2960del) of the RPGRIP1L gene. It is expected to disrupt RNA splicing. Variants that disrupt the donor or acceptor splice site typically lead to a loss of protein function (PMID: 16199547), and loss-of-function variants in RPGRIP1L are known to be pathogenic (PMID: 17558409). This variant has not been reported in the literature in individuals affected with RPGRIP1L-related conditions. In summary, the currently available evidence indicates that the variant is pathogenic, but additional data are needed to prove that conclusively. Therefore, this variant has been classified as Likely Pathogenic. Algorithms developed to predict the effect of sequence changes on RNA splicing suggest that this variant may disrupt the consensus splice site.

Literature cited by the submitters: PubMed 16199547; PubMed 17558409.